The following is an entry in ClinVar:

ClinVar aggregate classification (germline): Uncertain significance (1 of 4 stars; one submission).

Conditions:
Hereditary spastic paraplegia 74. Also called: Spastic paraplegia 74, autosomal recessive. Identifiers: Orphanet 468661, MedGen C5568837, MONDO:0014644, OMIM 616451.
Multiple mitochondrial dysfunctions syndrome 3 (MMDS3). Identifiers: Orphanet 363424, MedGen C3809165, MONDO:0014132, OMIM 615330.

Allele frequency attached by ClinVar (database versions not stated): gnomAD exomes below 0.00001.
gnomAD v4.1: 1 of 1,591,460 alleles (0.000063%); highest among the groups gnomAD compares: Non-Finnish European, 0.000085%; no homozygotes.

Submission:

Labcorp Genetics (formerly Invitae), Labcorp
Classification: Uncertain significance for Multiple mitochondrial dysfunctions syndrome 3; Hereditary spastic paraplegia 74. Last evaluated: 2022-05-25. Review status: criteria provided, single submitter. Criteria: Invitae Variant Classification Sherloc (09022015). Collection method: clinical testing. Allele origin: germline.
Comment: This sequence change replaces leucine, which is neutral and non-polar, with phenylalanine, which is neutral and non-polar, at codon 125 of the IBA57 protein (p.Leu125Phe). This variant is not present in population databases (gnomAD no frequency). This variant has not been reported in the literature in individuals affected with IBA57-related conditions. Algorithms developed to predict the effect of missense changes on protein structure and function output the following: SIFT: "Tolerated"; PolyPhen-2: "Possibly Damaging"; Align-GVGD: "Class C0". The phenylalanine amino acid residue is found in multiple mammalian species, which suggests that this missense change does not adversely affect protein function. In summary, the available evidence is currently insufficient to determine the role of this variant in disease. Therefore, it has been classified as a Variant of Uncertain Significance.

NM_001010867.4(IBA57):c.373C>T (p.Leu125Phe)

Gene: IBA57 (iron-sulfur cluster assembly factor IBA57; plus strand). Cytogenetic location: 1q42.13.
Variant type: single nucleotide variant.
Coding change: c.373C>T on transcript NM_001010867.4 (MANE Select); coding-DNA position 373, C replaced by T.
Protein change: p.Leu125Phe; replaces leucine 125 with phenylalanine.
Molecular consequence: missense variant. On other transcripts: 5 prime UTR variant (1).
Genome position (GRCh38, 1-based): chr1:228,174,723, C>T. VCF-style: chr1-228174723-C-T. GRCh37 (hg19) VCF-style: chr1-228362424-C-T.
Other names: c.-207C>T (NM_001310327.2); short protein forms L125F.
Identifiers: ClinVar variation 2180702 (VCV002180702.1), dbSNP rs2527918227, ClinGen allele CA345111649.